The following is an entry in ClinVar:

ClinVar aggregate classification (germline): Uncertain significance (1 of 4 stars; one submission).

Allele frequency attached by ClinVar (database versions not stated): ExAC 0.00001; gnomAD 0.00001; gnomAD exomes 0.00001 and 0.00004.
gnomAD v4.1: 52 of 1,613,926 alleles (0.0032%); highest among the groups gnomAD compares: Non-Finnish European, 0.0042%; no homozygotes.

Submission:

Labcorp Genetics (formerly Invitae), Labcorp
Classification: Uncertain significance. Last evaluated: 2025-04-09. Review status: criteria provided, single submitter. Criteria: Invitae Variant Classification Sherloc (09022015). Collection method: clinical testing. Allele origin: germline.
Comment: This sequence change replaces isoleucine, which is neutral and non-polar, with valine, which is neutral and non-polar, at codon 3378 of the VCAN protein (p.Ile3378Val). This variant is present in population databases (rs756331722, gnomAD 0.002%). This variant has not been reported in the literature in individuals affected with VCAN-related conditions. ClinVar contains an entry for this variant (Variation ID: 1499586). An algorithm developed to predict the effect of missense changes on protein structure and function outputs the following: PolyPhen-2: "Benign". The valine amino acid residue is found in multiple mammalian species, which suggests that this missense change does not adversely affect protein function. In summary, the available evidence is currently insufficient to determine the role of this variant in disease. Therefore, it has been classified as a Variant of Uncertain Significance.

NM_004385.5(VCAN):c.10132A>G (p.Ile3378Val)

Gene: VCAN (versican; plus strand). Cytogenetic location: 5q14.3.
Variant type: single nucleotide variant.
Coding change: c.10132A>G on transcript NM_004385.5 (MANE Select); coding-DNA position 10132, A replaced by G.
Protein change: p.Ile3378Val; replaces isoleucine 3378 with valine.
Molecular consequence: missense variant.
Genome position (GRCh38, 1-based): chr5:83,580,375, A>G. VCF-style: chr5-83580375-A-G. GRCh37 (hg19) VCF-style: chr5-82876194-A-G.
Other names: c.1909A>G, p.Ile637Val (NM_001126336.3); c.7171A>G, p.Ile2391Val (NM_001164097.2); c.4870A>G, p.Ile1624Val (NM_001164098.2); short protein forms I2391V, I3378V, I1624V, I637V.
Identifiers: ClinVar variation 1499586 (VCV001499586.8), dbSNP rs756331722, ClinGen allele CA3334168.